The following is an entry in ClinVar:

NM_001040151.2(SCN3B):c.*22+16A>C

Gene: SCN3B (sodium voltage-gated channel beta subunit 3; minus strand). Cytogenetic location: 11q24.1.
Variant type: single nucleotide variant.
Coding change: c.*22+16A>C on transcript NM_001040151.2 (MANE Select); 16 bases into the intron after 22 bases downstream of the stop codon, A replaced by C.
Molecular consequence: intron variant.
Genome position (GRCh38, 1-based): chr11:123,634,105, T>G on the plus strand (A>C on the coding strand, the complement: SCN3B is on the minus strand). VCF-style: chr11-123634105-T-G. GRCh37 (hg19) VCF-style: chr11-123504813-T-G.
Other names: c.*22+16A>C (NM_018400.4).
Identifiers: ClinVar variation 139035 (VCV000139035.1), dbSNP rs199552601, ClinGen allele CA293303.

ClinVar aggregate classification (germline): Benign (1 of 4 stars; one submission).

Allele frequency attached by ClinVar (database versions not stated): ESP Exome Variant Server 0.00046; 1000 Genomes Project 30x 0.00047; ExAC 0.00052; gnomAD 0.00059 and 0.00060; gnomAD exomes 0.00059; 1000 Genomes Project 0.00060; TOPMed 0.00068.
gnomAD v4.1: 1,775 of 1,596,666 alleles (0.11%); highest among the groups gnomAD compares: Non-Finnish European, 0.14%; 5 homozygotes.

Submission:

GeneDx
Classification: Benign. Last evaluated: 2014-05-15. Review status: criteria provided, single submitter. Criteria: GeneDx Variant Classification (06012015). Collection method: clinical testing. Allele origin: germline. Affected: yes.
Comment: This variant is considered likely benign or benign based on one or more of the following criteria: it is a conservative change, it occurs at a poorly conserved position in the protein, it is predicted to be benign by multiple in silico algorithms, and/or has population frequency not consistent with disease.